The following is an entry in ClinVar:

ClinVar aggregate classification (germline): Uncertain significance. Review status: criteria provided, multiple submitters, no conflicts (2 of 4 stars). 4 submissions from 4 submitters: Uncertain significance (4). Last evaluated 2026-08-21.

Conditions:
Hereditary nonpolyposis colorectal neoplasms. Identifiers: MedGen C0009405, MeSH D003123.
Hereditary cancer-predisposing syndrome. Also called: Neoplastic Syndromes, Hereditary; Hereditary Cancer Syndrome; Hereditary neoplastic syndrome; Tumor predisposition. Identifiers: Orphanet 140162, MedGen C0027672, MeSH D009386, MONDO:0015356.

Allele frequency attached by ClinVar (database versions not stated): gnomAD exomes below 0.00001; gnomAD 0.00001.
gnomAD v4.1: 2 of 1,614,096 alleles (0.00012%); no homozygotes.

Submissions (4):

Ambry Genetics
Classification: Uncertain significance for Hereditary cancer-predisposing syndrome. Last evaluated: 2026-08-21. Review status: criteria provided, single submitter. Criteria: Ambry Variant Classification Scheme 2023. Collection method: clinical testing. Allele origin: germline.
Comment: The p.T1142A variant (also known as c.3424A>G), located in coding exon 5 of the MSH6 gene, results from an A to G substitution at nucleotide position 3424. The threonine at codon 1142 is replaced by alanine, an amino acid with similar properties. This amino acid position is conserved. In addition, this alteration is predicted to be deleterious by in silico analysis. Based on the available evidence, the clinical significance of this variant remains unclear.

Labcorp Genetics (formerly Invitae), Labcorp
Classification: Uncertain significance for Hereditary nonpolyposis colorectal neoplasms. Last evaluated: 2024-05-13. Review status: criteria provided, single submitter. Criteria: Invitae Variant Classification Sherloc (09022015). Collection method: clinical testing. Allele origin: germline.
Comment: This sequence change replaces threonine, which is neutral and polar, with alanine, which is neutral and non-polar, at codon 1142 of the MSH6 protein (p.Thr1142Ala). This variant is not present in population databases (gnomAD no frequency). This variant has not been reported in the literature in individuals affected with MSH6-related conditions. ClinVar contains an entry for this variant (Variation ID: 658869). Advanced modeling of protein sequence and biophysical properties (such as structural, functional, and spatial information, amino acid conservation, physicochemical variation, residue mobility, and thermodynamic stability) has been performed at Invitae for this missense variant, however the output from this modeling did not meet the statistical confidence thresholds required to predict the impact of this variant on MSH6 protein function. In summary, the available evidence is currently insufficient to determine the role of this variant in disease. Therefore, it has been classified as a Variant of Uncertain Significance.

Color Diagnostics, LLC DBA Color Health
Classification: Uncertain significance for Hereditary cancer-predisposing syndrome. Last evaluated: 2023-12-04. Review status: criteria provided, single submitter. Criteria: ACMG Guidelines, 2015. Collection method: clinical testing. Allele origin: germline.
Comment: This missense variant replaces threonine with alanine at codon 1142 of the MSH6 protein. Computational prediction suggests that this variant may have deleterious impact on protein structure and function (internally defined REVEL score threshold >= 0.7, PMID: 27666373). To our knowledge, functional studies have not been reported for this variant. This variant has not been reported in individuals affected with MSH6-related disorders in the literature. This variant has not been identified in the general population by the Genome Aggregation Database (gnomAD). The available evidence is insufficient to determine the role of this variant in disease conclusively. Therefore, this variant is classified as a Variant of Uncertain Significance.

Sema4
Classification: Uncertain significance for Hereditary cancer-predisposing syndrome. Last evaluated: 2022-01-07. Review status: criteria provided, single submitter. Criteria: Sema4 Curation Guidelines. Collection method: curation. Allele origin: germline.
Comment: The MSH6 c.3424A>G (p.T1142A) variant has not been reported in the literature to our knowledge. It was not observed in the large and broad cohorts of the Genome Aggregation Database (PMID: 32461654). This variant has been reported in ClinVar (Variation ID 658869). In silico tools suggest the impact of the variant on protein function is deleterious, though these predictions have not been confirmed by functional studies. The evidence is insufficient to meet ACMG/AMP criteria for classifying the variant as benign or pathogenic. Thus, the clinical significance of this variant is currently uncertain.

NM_000179.3(MSH6):c.3424A>G (p.Thr1142Ala)

Gene: MSH6 (mutS homolog 6; plus strand). Cytogenetic location: 2p16.3.
Variant type: single nucleotide variant.
Coding change: c.3424A>G on transcript NM_000179.3 (MANE Select); coding-DNA position 3424, A replaced by G.
Protein change: p.Thr1142Ala; replaces threonine 1142 with alanine.
Molecular consequence: missense variant.
Genome position (GRCh38, 1-based): chr2:47,803,671, A>G. VCF-style: chr2-47803671-A-G. GRCh37 (hg19) VCF-style: chr2-48030810-A-G.
Other names: c.3034A>G, p.Thr1012Ala (NM_001281492.2); c.2518A>G, p.Thr840Ala (NM_001281493.2, NM_001281494.2); short protein forms T1012A, T1142A, T840A.
Identifiers: ClinVar variation 658869 (VCV000658869.17), dbSNP rs1572736148, ClinGen allele CA346758939.